The following is an entry in ClinVar:

ClinVar aggregate classification (germline): Uncertain significance (1 of 4 stars; one submission).

Allele frequency attached by ClinVar (database versions not stated): gnomAD exomes below 0.00001.
gnomAD v4.1: 1 of 1,614,114 alleles (0.000062%); no homozygotes.

Submission:

GeneDx
Classification: Uncertain significance. Last evaluated: 2020-12-03. Review status: criteria provided, single submitter. Criteria: GeneDx Variant Classification Process June 2021. Collection method: clinical testing. Allele origin: germline. Affected: yes.
Comment: Not observed in large population cohorts (Lek et al., 2016); In silico analysis supports that this missense variant has a deleterious effect on protein structure/function; Has not been previously published as pathogenic or benign to our knowledge

NM_183357.3(ADCY5):c.3274G>A (p.Glu1092Lys)

Gene: ADCY5 (adenylate cyclase 5; minus strand). Cytogenetic location: 3q21.1.
Variant type: single nucleotide variant.
Coding change: c.3274G>A on transcript NM_183357.3 (MANE Select); coding-DNA position 3274, G replaced by A.
Protein change: p.Glu1092Lys; replaces glutamic acid 1092 with lysine.
Molecular consequence: missense variant.
Genome position (GRCh38, 1-based): chr3:123,291,166, C>T on the plus strand (G>A on the coding strand, the complement: ADCY5 is on the minus strand). VCF-style: chr3-123291166-C-T. GRCh37 (hg19) VCF-style: chr3-123010013-C-T.
Other names: c.2224G>A, p.Glu742Lys (NM_001199642.1); c.3349G>A, p.Glu1117Lys (NM_001378259.1); short protein forms E1092K, E742K, E1117K.
Identifiers: ClinVar variation 451100 (VCV000451100.4), dbSNP rs1553717600, ClinGen allele CA354223433.
Genomic context (GRCh38, chr3:123,291,166, plus strand): 5'-TGTGCACCTCATCAAAGTCAGCGATGATCTCATTGAGTAGCCGCAGGCACTCGACACCCT[C>T]GTTGTTGGCCTCCAGCTCAACGTAGAACTCGGAGAAGTTGGCGATGGAGGCGAACATGAC-3'
Protein context (NP_899200.1, residues 1082-1102): EFYVELEANN[Glu1092Lys]GVECLRLLNE